The following is an entry in ClinVar:

ClinVar aggregate classification (germline): Uncertain significance. Review status: criteria provided, single submitter (1 of 4 stars). 2 submissions from 2 submitters: Uncertain significance (1). 1 of the submissions does not count toward it. Last evaluated 2019-06-13.

Conditions:
Familial dysautonomia. Also called: FD; HSAN III. Identifiers: Orphanet 1764, MedGen C0013364, MONDO:0009131, OMIM 223900. Disease mechanism: loss of function.

Submissions (2):

Labcorp Genetics (formerly Invitae), Labcorp
Classification: Uncertain significance. Last evaluated: 2019-06-13. Review status: criteria provided, single submitter. Criteria: Invitae Variant Classification Sherloc (09022015). Collection method: clinical testing. Allele origin: germline.
Comment: In summary, the available evidence is currently insufficient to determine the role of this variant in disease. Therefore, it has been classified as a Variant of Uncertain Significance. Nucleotide substitutions within the consensus splice site are a relatively common cause of aberrant splicing (PMID: 17576681, 9536098). Algorithms developed to predict the effect of sequence changes on RNA splicing suggest that this variant is not likely to affect RNA splicing, but this prediction has not been confirmed by published transcriptional studies. This variant has not been reported in the literature in individuals with ELP1-related conditions. This variant is not present in population databases (ExAC no frequency). This sequence change falls in intron 9 of the ELP1 gene. It does not directly change the encoded amino acid sequence of the ELP1 protein, but it affects a nucleotide within the consensus splice site of the intron.

Natera, Inc.
Classification: Uncertain significance for Familial dysautonomia. Last evaluated: 2020-09-18. Review status: no assertion criteria provided. Collection method: clinical testing. Allele origin: germline. Not counted in ClinVar's aggregate classification.

Literature cited by the submitters: PubMed 17576681 (cited by Labcorp Genetics (formerly Invitae), Labcorp); PubMed 9536098 (cited by Labcorp Genetics (formerly Invitae), Labcorp).

NM_003640.5(ELP1):c.864+6T>C

Gene: ELP1 (elongator acetyltransferase complex subunit 1; minus strand). Cytogenetic location: 9q31.3.
Variant type: single nucleotide variant.
Coding change: c.864+6T>C on transcript NM_003640.5 (MANE Select); 6 bases into the intron after coding-DNA position 864, T replaced by C.
Molecular consequence: intron variant.
Genome position (GRCh38, 1-based): chr9:108,917,541, A>G on the plus strand (T>C on the coding strand, the complement: ELP1 is on the minus strand). VCF-style: chr9-108917541-A-G. GRCh37 (hg19) VCF-style: chr9-111679821-A-G.
Other names: c.522+6T>C (NM_001318360.2); c.-184+6T>C (NM_001330749.2).
Identifiers: ClinVar variation 952144 (VCV000952144.10), dbSNP rs1829486746, ClinGen allele CA1139661108.
Genomic context (GRCh38, chr9:108,917,541, plus strand): 5'-AAAAATTCCCTCTATAGCTATGGAAAGTCCTCTACATTCGAGGGTGAAACAAACTCAGGC[A>G]CTTACCTTAACCTCATCTTTAAGGAAGGGAAGTGTAAAGTGTCCATGAAGGAGTCCATTT-3'